The following is an entry in ClinVar:

ClinVar aggregate classification (germline): Uncertain significance (1 of 4 stars; one submission).

Conditions:
Lafora disease. Also called: Epilepsy progressive myoclonic 2. Identifiers: Orphanet 501, MedGen C0751783, MONDO:0009697.

Submission:

Labcorp Genetics (formerly Invitae), Labcorp
Classification: Uncertain significance for Lafora disease. Last evaluated: 2021-11-10. Review status: criteria provided, single submitter. Criteria: Invitae Variant Classification Sherloc (09022015). Collection method: clinical testing. Allele origin: germline.
Comment: In summary, the available evidence is currently insufficient to determine the role of this variant in disease. Therefore, it has been classified as a Variant of Uncertain Significance. Algorithms developed to predict the effect of missense changes on protein structure and function (SIFT, PolyPhen-2, Align-GVGD) all suggest that this variant is likely to be disruptive. This variant has not been reported in the literature in individuals affected with NHLRC1-related conditions. This variant is not present in population databases (gnomAD no frequency). This sequence change replaces glutamic acid, which is acidic and polar, with lysine, which is basic and polar, at codon 67 of the NHLRC1 protein (p.Glu67Lys).

NM_198586.3(NHLRC1):c.199G>A (p.Glu67Lys)

Gene: NHLRC1 (NHL repeat containing E3 ubiquitin protein ligase 1; minus strand). Cytogenetic location: 6p22.3.
Variant type: single nucleotide variant.
Coding change: c.199G>A on transcript NM_198586.3 (MANE Select); coding-DNA position 199, G replaced by A.
Protein change: p.Glu67Lys; replaces glutamic acid 67 with lysine.
Molecular consequence: missense variant.
Genome position (GRCh38, 1-based): chr6:18,122,408, C>T on the plus strand (G>A on the coding strand, the complement: NHLRC1 is on the minus strand). VCF-style: chr6-18122408-C-T. GRCh37 (hg19) VCF-style: chr6-18122639-C-T.
Other names: short protein forms E67K.
Identifiers: ClinVar variation 1350663 (VCV001350663.4), dbSNP rs779507031, ClinGen allele CA134960091.
Genomic context (GRCh38, chr6:18,122,408, plus strand): 5'-GCACCGGCAGGCAGTCGCTGGTGTCGCAGCCCCGGCAAGCTCGCCTGCAGAATGGGCACT[C>T]GAGGGCCAGAGTGCGCGGGTGCGCCAGGGCGGCCACGCAGGCCAGGCAGACCACGTGGCC-3'
Protein context (NP_940988.2, residues 57-77): ALAHPRTLAL[Glu67Lys]CPFCRRACRG